The following is an entry in ClinVar:

ClinVar aggregate classification (germline): other (0 of 4 stars; one submission).

Conditions:
Familial colorectal cancer. Identifiers: MedGen CN280943, MONDO:0023113. Disease mechanism: loss of function.

Submission:

Systems Biology Platform Zhejiang California International NanoSystems Institute
Classification: other for Familial colorectal cancer. Review status: no assertion criteria provided. Collection method: not provided. Allele origin: unknown.
ClinVar note: Converted during submission from cancer to other.

NM_000038.6(APC):c.-19+141T>C

Gene: APC (APC regulator of WNT signaling pathway; plus strand). Cytogenetic location: 5q22.2.
Variant type: single nucleotide variant.
Coding change: c.-19+141T>C on transcript NM_000038.6 (MANE Select); 141 bases into the intron after 19 bases upstream of the start codon, T replaced by C.
Molecular consequence: intron variant.
Genome position (GRCh38, 1-based): chr5:112,738,066, T>C. VCF-style: chr5-112738066-T-C. GRCh37 (hg19) VCF-style: chr5-112073763-T-C.
Other names: c.-18-16807T>C (NM_001354895.2); c.166-28260T>C (NM_001354897.2, NM_001354902.2, NM_001127511.3); c.-127+141T>C (NM_001127510.3); c.-49+141T>C (NM_001354898.2, NM_001354904.2); c.-1054+141T>C (NM_001354906.2); c.-19+141T>C (NM_001354896.2, NM_001354903.2, NM_001354899.2); c.-43+141T>C (NM_001354900.2, NM_001354901.2, NM_001354905.2).
Identifiers: ClinVar variation 82738 (VCV000082738.2), dbSNP rs74393987, ClinGen allele CA006348.
Genomic context (GRCh38, chr5:112,738,066, plus strand): 5'-ATGGCCTTTCCTTGGCACAGGGTCCACTGCAGCATGCCAAACGAGGAGGCAGGGGCGTCG[T>C]CCCCCCGCCCCCCACTGCAGCACTGGAGATGGATTTCCTGTACTTCGGATCCAGGGTTTT-3'